The following is an entry in ClinVar:

NM_033380.3(COL4A5):c.1925del (p.Asn642fs)

Gene: COL4A5 (collagen type IV alpha 5 chain; plus strand). Cytogenetic location: Xq22.3.
Variant type: Deletion.
Coding change: c.1925del on transcript NM_033380.3 (MANE Select); coding-DNA position 1925, one base deleted (A; older notation c.1925delA).
Protein change: p.Asn642fs; shifts the reading frame from asparagine 642.
Molecular consequence: frameshift variant.
Genome position (GRCh38, 1-based): chrX:108,598,847, A deleted; the last of 3 consecutive A bases (chrX:108,598,845-108,598,847); deleting any one gives the same sequence. VCF-style (leftmost placement, unchanged base first): chrX-108598844-GA-G. GRCh37 (hg19) VCF-style: chrX-107842074-GA-G.
Other names: c.1925del, p.Asn642fs (NM_000495.5); short protein forms N642fs.
Identifiers: ClinVar variation 1435093 (VCV001435093.6), dbSNP rs2147813799, ClinGen allele CA2573159079.

ClinVar aggregate classification (germline): Pathogenic (1 of 4 stars; one submission).

Submission:

Labcorp Genetics (formerly Invitae), Labcorp
Classification: Pathogenic. Last evaluated: 2021-11-02. Review status: criteria provided, single submitter. Criteria: Invitae Variant Classification Sherloc (09022015). Collection method: clinical testing. Allele origin: germline.
Comment: This sequence change creates a premature translational stop signal (p.Asn642Ilefs*18) in the COL4A5 gene. It is expected to result in an absent or disrupted protein product. Loss-of-function variants in COL4A5 are known to be pathogenic (PMID: 9195222, 10752524, 14514738, 24854265, 26809805). This variant is not present in population databases (gnomAD no frequency). This variant has not been reported in the literature in individuals affected with COL4A5-related conditions. For these reasons, this variant has been classified as Pathogenic.

Literature cited by the submitters: PubMed 9195222; PubMed 10752524; PubMed 14514738; PubMed 24854265; PubMed 26809805.